The following is an entry in ClinVar:

NM_000642.3(AGL):c.3343G>A (p.Gly1115Arg)

Gene: AGL (amylo-alpha-1,6-glucosidase and 4-alpha-glucanotransferase; plus strand). Cytogenetic location: 1p21.2.
Variant type: single nucleotide variant.
Coding change: c.3343G>A on transcript NM_000642.3 (MANE Select); coding-DNA position 3343, G replaced by A.
Protein change: p.Gly1115Arg; replaces glycine 1115 with arginine.
Molecular consequence: missense variant.
Genome position (GRCh38, 1-based): chr1:99,896,369, G>A. VCF-style: chr1-99896369-G-A. GRCh37 (hg19) VCF-style: chr1-100361925-G-A.
Other names: c.3343G>A, p.Gly1115Arg (NM_000028.3, NM_000643.3, NM_000644.3 and 1 more transcripts); c.3295G>A, p.Gly1099Arg (NM_000646.3); c.3322G>A, p.Gly1108Arg (NM_001425326.1); c.3142G>A, p.Gly1048Arg (NM_001425327.1); c.3139G>A, p.Gly1047Arg (NM_001425328.1); c.3004G>A, p.Gly1002Arg (NM_001425329.1); c.2965G>A, p.Gly989Arg (NM_001425332.1); short protein forms G1115R, G1099R, G1002R, G1047R, G1048R, G1108R, G989R.
Identifiers: ClinVar variation 256738 (VCV000256738.24), dbSNP rs2230307, ClinGen allele CA967049.

ClinVar aggregate classification (germline): Benign. Review status: criteria provided, multiple submitters, no conflicts (2 of 4 stars). 9 submissions from 9 submitters: Benign (7). 2 of the submissions do not count toward it. Last evaluated 2026-02-04.

Conditions:
Glycogen storage disease type III (GSD3). Also called: FORBES DISEASE; Cori disease. Identifiers: Orphanet 366, MedGen C0017922, MONDO:0009291, OMIM 232400.

Allele frequency attached by ClinVar (database versions not stated): ESP Exome Variant Server 0.04175; gnomAD 0.05399 and 0.05621; gnomAD exomes 0.05780 and 0.07349; TOPMed 0.05987; ExAC 0.06884; 1000 Genomes Project 30x 0.08354; 1000 Genomes Project 0.08846.

Submissions (9):

Labcorp Genetics (formerly Invitae), Labcorp
Classification: Benign for Glycogen storage disease type III. Last evaluated: 2026-02-04. Review status: criteria provided, single submitter. Criteria: Invitae Variant Classification Sherloc (09022015). Collection method: clinical testing. Allele origin: germline.

Blueprint Genetics
Classification: Benign. Last evaluated: 2024-11-26. Review status: criteria provided, single submitter. Criteria: ACMG Guidelines, 2015. Collection method: clinical testing. Allele origin: germline.

Genome-Nilou Lab
Classification: Benign for Glycogen storage disease type III. Last evaluated: 2021-07-15. Review status: criteria provided, single submitter. Criteria: ACMG Guidelines, 2015. Collection method: clinical testing. Allele origin: germline. Affected: no.

Illumina Laboratory Services, Illumina
Classification: Benign for Glycogen storage disease type III. Last evaluated: 2018-01-13. Review status: criteria provided, single submitter. Criteria: ICSL Variant Classification Criteria 13 December 2019. Collection method: clinical testing. Allele origin: germline.
Comment: This variant was observed in the ICSL laboratory as part of a predisposition screen in an ostensibly healthy population. It had not been previously curated by ICSL or reported in the Human Gene Mutation Database (HGMD: prior to June 1st, 2018), and was therefore a candidate for classification through an automated scoring system. Utilizing variant allele frequency, disease prevalence and penetrance estimates, and inheritance mode, an automated score was calculated to assess if this variant is too frequent to cause the disease. Based on the score and internal cut-off values, a variant classified as benign is not then subjected to further curation. The score for this variant resulted in a classification of benign for this disease.

GeneDx
Classification: Benign. Last evaluated: 2016-01-29. Review status: criteria provided, single submitter. Criteria: GeneDx Variant Classification (06012015). Collection method: clinical testing. Allele origin: germline. Affected: yes.
Comment: This variant is considered likely benign or benign based on one or more of the following criteria: it is a conservative change, it occurs at a poorly conserved position in the protein, it is predicted to be benign by multiple in silico algorithms, and/or has population frequency not consistent with disease.

Breakthrough Genomics
Classification: Benign. Review status: criteria provided, single submitter. Criteria: ACMG Guidelines, 2015. Collection method: not provided. Allele origin: germline. Inheritance: Autosomal recessive inheritance. Affected: yes.

PreventionGenetics, part of Exact Sciences
Classification: Benign. Review status: criteria provided, single submitter. Criteria: ACMG Guidelines, 2015. Collection method: clinical testing. Allele origin: germline.

Natera, Inc.
Classification: Benign for Glycogen storage disease type III. Last evaluated: 2020-09-16. Review status: no assertion criteria provided. Collection method: clinical testing. Allele origin: germline. Not counted in ClinVar's aggregate classification.

Mayo Clinic Laboratories, Mayo Clinic
Classification: Benign. Last evaluated: 2015-10-26. Review status: no assertion criteria provided. Collection method: clinical testing. Allele origin: unknown. Not counted in ClinVar's aggregate classification.